The following is an entry in ClinVar:

NM_000081.4(LYST):c.4201C>T (p.His1401Tyr)

Gene: LYST (lysosomal trafficking regulator; minus strand). Cytogenetic location: 1q42.3.
Variant type: single nucleotide variant.
Coding change: c.4201C>T on transcript NM_000081.4 (MANE Select); coding-DNA position 4201, C replaced by T.
Protein change: p.His1401Tyr; replaces histidine 1401 with tyrosine.
Molecular consequence: missense variant.
Genome position (GRCh38, 1-based): chr1:235,792,041, G>A on the plus strand (C>T on the coding strand, the complement: LYST is on the minus strand). VCF-style: chr1-235792041-G-A. GRCh37 (hg19) VCF-style: chr1-235955341-G-A.
Other names: c.4201C>T, p.His1401Tyr (NM_001301365.1); short protein forms H1401Y.
Identifiers: ClinVar variation 956918 (VCV000956918.7), dbSNP rs375127531, ClinGen allele CA1466896.

ClinVar aggregate classification (germline): Uncertain significance (1 of 4 stars; one submission).

Conditions:
Chédiak-Higashi syndrome (CHS). Also called: Chediak-Higashi Syndrome. Identifiers: Orphanet 167, MedGen C0007965, MONDO:0008963, OMIM 214500.

Allele frequency attached by ClinVar (database versions not stated): gnomAD exomes below 0.00001; ExAC 0.00002; TOPMed 0.00002; ESP Exome Variant Server 0.00008.
gnomAD v4.1: 9 of 1,613,576 alleles (0.00056%); highest among the groups gnomAD compares: African/African-American, 0.0067%; no homozygotes.

Submission:

Labcorp Genetics (formerly Invitae), Labcorp
Classification: Uncertain significance for Chédiak-Higashi syndrome. Last evaluated: 2019-10-20. Review status: criteria provided, single submitter. Criteria: Invitae Variant Classification Sherloc (09022015). Collection method: clinical testing. Allele origin: germline.
Comment: In summary, the available evidence is currently insufficient to determine the role of this variant in disease. Therefore, it has been classified as a Variant of Uncertain Significance. Algorithms developed to predict the effect of sequence changes on RNA splicing suggest that this variant may create or strengthen a splice site, but this prediction has not been confirmed by published transcriptional studies. Algorithms developed to predict the effect of missense changes on protein structure and function output the following: SIFT: "Tolerated"; PolyPhen-2: "Benign"; Align-GVGD: "Class C0". The tyrosine amino acid residue is found in multiple mammalian species, suggesting that this missense change does not adversely affect protein function. These predictions have not been confirmed by published functional studies and their clinical significance is uncertain. This variant has not been reported in the literature in individuals with LYST-related conditions. This variant is present in population databases (rs375127531, ExAC 0.02%). This sequence change replaces histidine with tyrosine at codon 1401 of the LYST protein (p.His1401Tyr). The histidine residue is weakly conserved and there is a moderate physicochemical difference between histidine and tyrosine.